The following is an entry in ClinVar:

ClinVar aggregate classification (germline): Pathogenic/Likely pathogenic. Review status: criteria provided, multiple submitters, no conflicts (2 of 4 stars). 2 submissions from 2 submitters: Pathogenic (1); Likely pathogenic (1). Last evaluated 2023-10-01.

Conditions:
Retinal dystrophy. Also called: Inherited retinal dystrophy. Identifiers: Orphanet 71862, MedGen C0854723, MeSH D058499, MONDO:0019118, HP:0000556.

Submissions (2):

Dept Of Ophthalmology, Nagoya University
Classification: Likely pathogenic for Retinal dystrophy. Last evaluated: 2023-10-01. Review status: criteria provided, single submitter. Criteria: Submitter's publication. Collection method: research. Allele origin: germline. Affected: yes.

Labcorp Genetics (formerly Invitae), Labcorp
Classification: Pathogenic. Last evaluated: 2020-01-30. Review status: criteria provided, single submitter. Criteria: Invitae Variant Classification Sherloc (09022015). Collection method: clinical testing. Allele origin: germline.
Comment: This sequence change replaces glycine with arginine at codon 56 of the NR2E3 protein (p.Gly56Arg). The glycine residue is highly conserved and there is a moderate physicochemical difference between glycine and arginine. This variant is not present in population databases (ExAC no frequency). For these reasons, this variant has been classified as Pathogenic. This variant has been reported to affect NR2E3 protein function (PMID: 19823680, 19006237). This missense change has been observed in individual(s) with autosomal dominant retinitis pigmentosa (PMID: 24938718, 17564971, 26910043, 19006237). It has also been observed to segregate with disease in related individuals.

Literature cited by the submitters: PubMed 19823680 (cited by Labcorp Genetics (formerly Invitae), Labcorp); PubMed 19006237 (cited by Labcorp Genetics (formerly Invitae), Labcorp); PubMed 24938718 (cited by Labcorp Genetics (formerly Invitae), Labcorp); PubMed 17564971 (cited by Labcorp Genetics (formerly Invitae), Labcorp); PubMed 26910043 (cited by Labcorp Genetics (formerly Invitae), Labcorp).

NM_014249.4(NR2E3):c.166G>C (p.Gly56Arg)

Gene: NR2E3 (nuclear receptor subfamily 2 group E member 3; plus strand). Cytogenetic location: 15q23.
Variant type: single nucleotide variant.
Coding change: c.166G>C on transcript NM_014249.4 (MANE Select); coding-DNA position 166, G replaced by C.
Protein change: p.Gly56Arg; replaces glycine 56 with arginine.
Molecular consequence: missense variant.
Genome position (GRCh38, 1-based): chr15:71,811,530, G>C. VCF-style: chr15-71811530-G-C. GRCh37 (hg19) VCF-style: chr15-72103870-G-C.
Other names: c.166G>C, p.Gly56Arg (NM_016346.4); short protein forms G56R.
Identifiers: ClinVar variation 1076269 (VCV001076269.8), dbSNP rs121912631, ClinGen allele CA393032028.